The following is an entry in ClinVar:

ClinVar aggregate classification (germline): Uncertain significance. Review status: criteria provided, multiple submitters, no conflicts (2 of 4 stars). 2 submissions from 2 submitters: Uncertain significance (2). Last evaluated 2025-12-20.

Conditions:
RYR1-related disorder. Also called: RYR1-related condition; RYR1-related disorders. Identifiers: MedGen CN239331.

Allele frequency attached by ClinVar (database versions not stated): TOPMed below 0.00001; gnomAD 0.00001.
gnomAD v4.1: 13 of 1,613,890 alleles (0.00081%); highest among the groups gnomAD compares: Non-Finnish European, 0.0011%; no homozygotes.

Submissions (2):

Labcorp Genetics (formerly Invitae), Labcorp
Classification: Uncertain significance for RYR1-related disorder. Last evaluated: 2025-12-20. Review status: criteria provided, single submitter. Criteria: Invitae Variant Classification Sherloc (09022015). Collection method: clinical testing. Allele origin: germline.
Comment: This sequence change replaces leucine, which is neutral and non-polar, with phenylalanine, which is neutral and non-polar, at codon 3532 of the RYR1 protein (p.Leu3532Phe). This variant is not present in population databases (gnomAD no frequency). This variant has not been reported in the literature in individuals affected with RYR1-related conditions. ClinVar contains an entry for this variant (Variation ID: 429483). Invitae Evidence Modeling of protein sequence and biophysical properties (such as structural, functional, and spatial information, amino acid conservation, physicochemical variation, residue mobility, and thermodynamic stability) has been performed for this missense variant. However, the output from this modeling did not meet the statistical confidence thresholds required to predict the impact of this variant on RYR1 protein function. In summary, the available evidence is currently insufficient to determine the role of this variant in disease. Therefore, it has been classified as a Variant of Uncertain Significance.

GeneDx
Classification: Uncertain significance. Last evaluated: 2023-09-02. Review status: criteria provided, single submitter. Criteria: GeneDx Variant Classification Process June 2021. Collection method: clinical testing. Allele origin: germline. Affected: yes.
Comment: Not observed at significant frequency in large population cohorts (gnomAD); In silico analysis supports that this missense variant has a deleterious effect on protein structure/function; Has not been previously published as pathogenic or benign to our knowledge

NM_000540.3(RYR1):c.10594C>T (p.Leu3532Phe)

Gene: RYR1 (ryanodine receptor 1; plus strand). Cytogenetic location: 19q13.2.
Variant type: single nucleotide variant.
Coding change: c.10594C>T on transcript NM_000540.3 (MANE Select); coding-DNA position 10594, C replaced by T.
Protein change: p.Leu3532Phe; replaces leucine 3532 with phenylalanine.
Molecular consequence: missense variant.
Genome position (GRCh38, 1-based): chr19:38,525,470, C>T. VCF-style: chr19-38525470-C-T. GRCh37 (hg19) VCF-style: chr19-39016110-C-T.
Other names: c.10579C>T, p.Leu3527Phe (NM_001042723.2); short protein forms L3532F, L3527F.
Identifiers: ClinVar variation 429483 (VCV000429483.10), dbSNP rs1131691407, ClinGen allele CA405643923.